The following is an entry in ClinVar:

ClinVar aggregate classification (germline): Uncertain significance (1 of 4 stars; one submission).

Allele frequency attached by ClinVar (database versions not stated): gnomAD 0.00001.
gnomAD v4.1: 15 of 1,612,872 alleles (0.00093%); highest among the groups gnomAD compares: Non-Finnish European, 0.0012%; no homozygotes.

Submission:

GeneDx
Classification: Uncertain significance. Last evaluated: 2025-04-02. Review status: criteria provided, single submitter. Criteria: GeneDx Variant Classification Process June 2021. Collection method: clinical testing. Allele origin: germline.
Comment: In silico analysis supports that this missense variant has a deleterious effect on protein structure/function; Has not been previously published as pathogenic or benign to our knowledge

NM_001394062.1(MACF1):c.13352G>A (p.Arg4451His)

Gene: MACF1 (microtubule actin crosslinking factor 1; plus strand). Cytogenetic location: 1p34.3.
Variant type: single nucleotide variant.
Coding change: c.13352G>A on transcript NM_001394062.1 (MANE Select); coding-DNA position 13352, G replaced by A.
Protein change: p.Arg4451His; replaces arginine 4451 with histidine.
Molecular consequence: missense variant.
Genome position (GRCh38, 1-based): chr1:39,379,278, G>A. VCF-style: chr1-39379278-G-A. GRCh37 (hg19) VCF-style: chr1-39844950-G-A.
Other names: c.7166G>A, p.Arg2389His (NM_012090.5); short protein forms R2389H, R4451H.
Identifiers: ClinVar variation 2663058 (VCV002663058.2), dbSNP rs760219967, ClinGen allele CA782048.